The following is an entry in ClinVar:

NM_012470.4(TNPO3):c.2746C>T (p.Arg916Ter)

Gene: TNPO3 (transportin 3; minus strand). Cytogenetic location: 7q32.1.
Variant type: single nucleotide variant.
Coding change: c.2746C>T on transcript NM_012470.4 (MANE Select); coding-DNA position 2746, C replaced by T.
Protein change: p.Arg916Ter; replaces arginine 916 with a stop codon.
Molecular consequence: nonsense. On other transcripts: non-coding transcript variant (18), intron variant (2).
Genome position (GRCh38, 1-based): chr7:128,957,281, G>A on the plus strand (C>T on the coding strand, the complement: TNPO3 is on the minus strand). VCF-style: chr7-128957281-G-A. GRCh37 (hg19) VCF-style: chr7-128597335-G-A.
Other names: c.2554C>T, p.Arg852Ter (NM_001191028.3); c.2848C>T, p.Arg950Ter (NM_001382216.1); c.2827C>T, p.Arg943Ter (NM_001382217.1); c.2638C>T, p.Arg880Ter (NM_001382219.1); c.2605C>T, p.Arg869Ter (NM_001382220.1); c.2602C>T, p.Arg868Ter (NM_001382221.1); c.2599C>T, p.Arg867Ter (NM_001382222.1); c.2520-1896C>T (NM_001382223.1); and 1 more; short protein forms R852*, R867*, R868*, R869*, R880*, R916*, R943*, R950*.
Identifiers: ClinVar variation 4291932 (VCV004291932.1).

ClinVar aggregate classification (germline): Uncertain significance (1 of 4 stars; one submission).

Conditions:
Autosomal dominant limb-girdle muscular dystrophy type 1F (LGMDD2). Also called: Limb-girdle muscular dystrophy, type 1F; MUSCULAR DYSTROPHY, LIMB-GIRDLE, AUTOSOMAL DOMINANT 2. Identifiers: Orphanet 55595, MedGen C1842062, MONDO:0012034, OMIM 608423.

Submission:

3billion
Classification: Uncertain significance for Autosomal dominant limb-girdle muscular dystrophy type 1F. Last evaluated: 2024-08-12. Review status: criteria provided, single submitter. Criteria: ACMG Guidelines, 2015. Collection method: clinical testing. Allele origin: germline. Affected: yes.
Comment: The variant is not observed in the gnomAD v4.0.0 dataset. Predicted Consequence/Location: Stop-gained (nonsense): predicted to result in a loss or disruption of normal protein function through nonsense-mediated decay (NMD) or protein truncation. Therefore, this variant is classified as VUS according to the recommendation of ACMG/AMP guideline.